The following is an entry in ClinVar:

NM_015909.4(NBAS):c.1764_1767del (p.Cys588fs)

Gene: NBAS (NBAS subunit of NRZ tethering complex; minus strand). Cytogenetic location: 2p24.3.
Variant type: Deletion.
Coding change: c.1764_1767del on transcript NM_015909.4 (MANE Select); coding-DNA positions 1764 to 1767, 4 bases deleted (TTTG; older notation c.1764_1767delTTTG).
Protein change: p.Cys588fs; shifts the reading frame from cysteine 588.
Molecular consequence: frameshift variant. On other transcripts: non-coding transcript variant (1).
Genome position (GRCh38, 1-based): chr2:15,468,492-15,468,495, CAAA deleted on the plus strand (TTTG on the coding strand, the reverse complement: NBAS is on the minus strand); deleting any 4 consecutive bases within chr2:15,468,492-15,468,497 gives the same sequence; the c. name uses the placement nearest the transcript's 3' end. VCF-style (leftmost placement, unchanged base first): chr2-15468491-CCAAA-C. GRCh37 (hg19) VCF-style: chr2-15608615-CCAAA-C.
Other names: short protein forms C588fs.
Identifiers: ClinVar variation 1964626 (VCV001964626.5), dbSNP rs2528112233, ClinGen allele CA2580063658.

ClinVar aggregate classification (germline): Pathogenic (1 of 4 stars; one submission).

Submission:

Labcorp Genetics (formerly Invitae), Labcorp
Classification: Pathogenic. Last evaluated: 2023-08-14. Review status: criteria provided, single submitter. Criteria: Invitae Variant Classification Sherloc (09022015). Collection method: clinical testing. Allele origin: germline.
Comment: This sequence change creates a premature translational stop signal (p.Cys588Trpfs*19) in the NBAS gene. It is expected to result in an absent or disrupted protein product. Loss-of-function variants in NBAS are known to be pathogenic (PMID: 26073778, 26541327, 27789416, 28031453). This variant is not present in population databases (gnomAD no frequency). This variant has not been reported in the literature in individuals affected with NBAS-related conditions. ClinVar contains an entry for this variant (Variation ID: 1964626). For these reasons, this variant has been classified as Pathogenic.

Literature cited by the submitters: PubMed 26073778; PubMed 26541327; PubMed 27789416; PubMed 28031453.